The following is an entry in ClinVar:

ClinVar aggregate classification (germline): Uncertain significance (1 of 4 stars; one submission).

Conditions:
Immunodeficiency, common variable, 2 (CVID2). Also called: ANTIBODY DEFICIENCY DUE TO TACI DEFECT; HYPOGAMMAGLOBULINEMIA DUE TO TACI DEFICIENCY. Identifiers: Orphanet 1572, MedGen C3150354, MONDO:0009413, OMIM 240500.

Submission:

Labcorp Genetics (formerly Invitae), Labcorp
Classification: Uncertain significance for Immunodeficiency, common variable, 2. Last evaluated: 2023-05-28. Review status: criteria provided, single submitter. Criteria: Invitae Variant Classification Sherloc (09022015). Collection method: clinical testing. Allele origin: germline.
Comment: In summary, the available evidence is currently insufficient to determine the role of this variant in disease. Therefore, it has been classified as a Variant of Uncertain Significance. This variant has not been reported in the literature in individuals affected with TNFRSF13B-related conditions. This variant is not present in population databases (gnomAD no frequency). This sequence change results in a frameshift in the TNFRSF13B gene (p.Pro291Glnfs*33). While this is not anticipated to result in nonsense mediated decay, it is expected to disrupt the last 3 amino acid(s) of the TNFRSF13B protein and extend the protein by 29 additional amino acid residues.

NM_012452.3(TNFRSF13B):c.872del (p.Pro291fs)

Gene: TNFRSF13B (TNF receptor superfamily member 13B; minus strand). Cytogenetic location: 17p11.2.
Variant type: Deletion.
Coding change: c.872del on transcript NM_012452.3 (MANE Select); coding-DNA position 872, one base deleted (C; older notation c.872delC).
Protein change: p.Pro291fs; shifts the reading frame from proline 291.
Molecular consequence: frameshift variant.
Genome position (GRCh38, 1-based): chr17:16,939,557, G deleted on the plus strand (C on the coding strand, the reverse complement: TNFRSF13B is on the minus strand); the first of 3 consecutive G bases (chr17:16,939,557-16,939,559); deleting any one gives the same sequence. VCF-style (leftmost placement, unchanged base first): chr17-16939556-TG-T. GRCh37 (hg19) VCF-style: chr17-16842870-TG-T.
Other names: short protein forms P291fs.
Identifiers: ClinVar variation 2745197 (VCV002745197.3), dbSNP rs2508178010, ClinGen allele CA2697559434.